The following is an entry in ClinVar:

NM_003200.5(TCF3):c.391G>A (p.Ala131Thr)

Gene: TCF3 (transcription factor 3; minus strand). Cytogenetic location: 19p13.3.
Variant type: single nucleotide variant.
Coding change: c.391G>A on transcript NM_003200.5 (MANE Select); coding-DNA position 391, G replaced by A.
Protein change: p.Ala131Thr; replaces alanine 131 with threonine.
Molecular consequence: missense variant.
Genome position (GRCh38, 1-based): chr19:1,625,684, C>T on the plus strand (G>A on the coding strand, the complement: TCF3 is on the minus strand). VCF-style: chr19-1625684-C-T. GRCh37 (hg19) VCF-style: chr19-1625683-C-T.
Other names: c.391G>A, p.Ala131Thr (NM_001136139.4, NM_001351778.2, NM_001351779.2); short protein forms A131T.
Identifiers: ClinVar variation 3691221 (VCV003691221.2).

ClinVar aggregate classification (germline): Uncertain significance (1 of 4 stars; one submission).

Submission:

Labcorp Genetics (formerly Invitae), Labcorp
Classification: Uncertain significance. Last evaluated: 2024-04-17. Review status: criteria provided, single submitter. Criteria: Invitae Variant Classification Sherloc (09022015). Collection method: clinical testing. Allele origin: germline.
Comment: This sequence change replaces alanine, which is neutral and non-polar, with threonine, which is neutral and polar, at codon 131 of the TCF3 protein (p.Ala131Thr). This variant is not present in population databases (gnomAD no frequency). This variant has not been reported in the literature in individuals affected with TCF3-related conditions. Advanced modeling of protein sequence and biophysical properties (such as structural, functional, and spatial information, amino acid conservation, physicochemical variation, residue mobility, and thermodynamic stability) performed at Invitae indicates that this missense variant is not expected to disrupt TCF3 protein function with a negative predictive value of 80%. In summary, the available evidence is currently insufficient to determine the role of this variant in disease. Therefore, it has been classified as a Variant of Uncertain Significance.